The following is an entry in ClinVar:

ClinVar aggregate classification (germline): Uncertain significance (1 of 4 stars; one submission).

gnomAD v4.1: 1 of 1,610,354 alleles (0.000062%); highest among the groups gnomAD compares: Non-Finnish European, 0.000085%; no homozygotes.

Submission:

Labcorp Genetics (formerly Invitae), Labcorp
Classification: Uncertain significance. Last evaluated: 2025-05-28. Review status: criteria provided, single submitter. Criteria: Invitae Variant Classification Sherloc (09022015). Collection method: clinical testing. Allele origin: germline.
Comment: This sequence change replaces glycine, which is neutral and non-polar, with arginine, which is basic and polar, at codon 437 of the ACAN protein (p.Gly437Arg). This variant is not present in population databases (gnomAD no frequency). This variant has not been reported in the literature in individuals affected with ACAN-related conditions. Invitae Evidence Modeling of protein sequence and biophysical properties (such as structural, functional, and spatial information, amino acid conservation, physicochemical variation, residue mobility, and thermodynamic stability) indicates that this missense variant is not expected to disrupt ACAN protein function with a negative predictive value of 80%. In summary, the available evidence is currently insufficient to determine the role of this variant in disease. Therefore, it has been classified as a Variant of Uncertain Significance.

NM_001369268.1(ACAN):c.1309G>A (p.Gly437Arg)

Gene: ACAN (aggrecan; plus strand). Cytogenetic location: 15q26.1.
Variant type: single nucleotide variant.
Coding change: c.1309G>A on transcript NM_001369268.1 (MANE Select); coding-DNA position 1309, G replaced by A.
Protein change: p.Gly437Arg; replaces glycine 437 with arginine.
Molecular consequence: missense variant.
Genome position (GRCh38, 1-based): chr15:88,845,762, G>A. VCF-style: chr15-88845762-G-A. GRCh37 (hg19) VCF-style: chr15-89388993-G-A.
Other names: c.1309G>A, p.Gly437Arg (NM_001135.4, NM_001411096.1, NM_001411097.1 and 1 more transcripts); short protein forms G437R.
Identifiers: ClinVar variation 4751736 (VCV004751736.1).